The following is an entry in ClinVar:

NM_005956.4(MTHFD1):c.1311+3A>G

Genes: MTHFD1 (methylenetetrahydrofolate dehydrogenase, cyclohydrolase and formyltetrahydrofolate synthetase 1; plus strand), LOC112272548 (Sharpr-MPRA regulatory region 9441; plus strand). Cytogenetic location: 14q23.3.
Variant type: single nucleotide variant.
Coding change: c.1311+3A>G on transcript NM_005956.4 (MANE Select); 3 bases into the intron after coding-DNA position 1311, A replaced by G.
Molecular consequence: intron variant.
Genome position (GRCh38, 1-based): chr14:64,430,233, A>G. VCF-style: chr14-64430233-A-G. GRCh37 (hg19) VCF-style: chr14-64896951-A-G.
Other names: c.1311+3A>G (NM_001364837.1).
Identifiers: ClinVar variation 1525653 (VCV001525653.3), dbSNP rs767053667, ClinGen allele CA486715846.

ClinVar aggregate classification (germline): Uncertain significance (1 of 4 stars; one submission).

gnomAD v4.1: 9 of 1,613,300 alleles (0.00056%); highest among the groups gnomAD compares: African/African-American, 0.0013%; no homozygotes.

Submission:

Labcorp Genetics (formerly Invitae), Labcorp
Classification: Uncertain significance. Last evaluated: 2021-10-15. Review status: criteria provided, single submitter. Criteria: Invitae Variant Classification Sherloc (09022015). Collection method: clinical testing. Allele origin: germline.
Comment: This sequence change falls in intron 13 of the MTHFD1 gene. It does not directly change the encoded amino acid sequence of the MTHFD1 protein. It affects a nucleotide within the consensus splice site. This variant is not present in population databases (ExAC no frequency). This variant has not been reported in the literature in individuals affected with MTHFD1-related conditions. Variants that disrupt the consensus splice site are a relatively common cause of aberrant splicing (PMID: 17576681, 9536098). Algorithms developed to predict the effect of sequence changes on RNA splicing suggest that this variant may disrupt the consensus splice site. In summary, the available evidence is currently insufficient to determine the role of this variant in disease. Therefore, it has been classified as a Variant of Uncertain Significance.

Literature cited by the submitters: PubMed 17576681; PubMed 9536098.